The following is an entry in ClinVar:

ClinVar aggregate classification (germline): Pathogenic (1 of 4 stars; one submission).

Submission:

GeneDx
Classification: Pathogenic. Last evaluated: 2024-08-13. Review status: criteria provided, single submitter. Criteria: GeneDx Variant Classification Process June 2021. Collection method: clinical testing. Allele origin: germline. Affected: yes.
Comment: Not observed at significant frequency in large population cohorts (gnomAD); In silico analysis supports that this missense variant has a deleterious effect on protein structure/function; In silico analysis is inconclusive as to whether the variant alters gene splicing. In the absence of RNA/functional studies, the actual effect of this sequence change is unknown; This variant is associated with the following publications: (PMID: 35982159, 33504798, 33057194)

NM_001356.5(DDX3X):c.1216G>C (p.Gly406Arg)

Gene: DDX3X (DEAD-box helicase 3 X-linked; plus strand). Cytogenetic location: Xp11.4.
Variant type: single nucleotide variant.
Coding change: c.1216G>C on transcript NM_001356.5 (MANE Select); coding-DNA position 1216, G replaced by C.
Protein change: p.Gly406Arg; replaces glycine 406 with arginine.
Molecular consequence: missense variant. On other transcripts: non-coding transcript variant (1).
Genome position (GRCh38, 1-based): chrX:41,345,449, G>C. VCF-style: chrX-41345449-G-C. GRCh37 (hg19) VCF-style: chrX-41204702-G-C.
Other names: c.1216G>C, p.Gly406Arg (NM_001193416.3); c.1168G>C, p.Gly390Arg (NM_001193417.3); c.658G>C, p.Gly220Arg (NM_001363819.1); short protein forms G390R, G406R, G220R.
Identifiers: ClinVar variation 3730889 (VCV003730889.1).